The following is an entry in ClinVar:

NM_001606.5(ABCA2):c.1587A>G (p.Ala529=)

Gene: ABCA2 (ATP binding cassette subfamily A member 2; minus strand). Cytogenetic location: 9q34.3.
Variant type: single nucleotide variant.
Coding change: c.1587A>G on transcript NM_001606.5 (MANE Select); coding-DNA position 1587, A replaced by G.
Protein change: p.Ala529=; no amino-acid change (alanine 529 retained).
Molecular consequence: synonymous variant.
Genome position (GRCh38, 1-based): chr9:137,019,038, T>C on the plus strand (A>G on the coding strand, the complement: ABCA2 is on the minus strand). VCF-style: chr9-137019038-T-C. GRCh37 (hg19) VCF-style: chr9-139913490-T-C.
Other names: c.1584A>G, p.Ala528= (NM_001411042.1); c.1677A>G, p.Ala559= (NM_212533.3).
Identifiers: ClinVar variation 4875147 (VCV004875147.2).

ClinVar aggregate classification (germline): Likely benign (1 of 4 stars; one submission).

gnomAD v4.1: 2 of 1,612,086 alleles (0.00012%); highest among the groups gnomAD compares: Admixed American, 0.0033%; no homozygotes.

Submission:

CeGaT Center for Human Genetics Tuebingen
Classification: Likely benign. Last evaluated: 2026-06-01. Review status: criteria provided, single submitter. Criteria: CeGaT Center For Human Genetics Tuebingen Variant Classification Criteria Version 2. Collection method: clinical testing. Allele origin: germline. Affected: yes. Observed: 1 variant allele.
Comment: ABCA2: BP4, BP7